The following is an entry in ClinVar:

NM_182961.4(SYNE1):c.12442G>C (p.Asp4148His)

Gene: SYNE1 (spectrin repeat containing nuclear envelope protein 1; minus strand). Cytogenetic location: 6q25.2.
Variant type: single nucleotide variant.
Coding change: c.12442G>C on transcript NM_182961.4 (MANE Select); coding-DNA position 12442, G replaced by C.
Protein change: p.Asp4148His; replaces aspartic acid 4148 with histidine.
Molecular consequence: missense variant.
Genome position (GRCh38, 1-based): chr6:152,336,927, C>G on the plus strand (G>C on the coding strand, the complement: SYNE1 is on the minus strand). VCF-style: chr6-152336927-C-G. GRCh37 (hg19) VCF-style: chr6-152658062-C-G.
Other names: p.Asp4077His; c.12229G>C, p.Asp4077His (NM_033071.5); short protein forms D4077H, D4148H.
Identifiers: ClinVar variation 130401 (VCV000130401.23), dbSNP rs117501809, ClinGen allele CA155352.

ClinVar aggregate classification (germline): Benign/Likely benign. Review status: criteria provided, multiple submitters, no conflicts (2 of 4 stars). 10 submissions from 9 submitters: Benign (6); Likely benign (1). 3 of the submissions do not count toward it. Last evaluated 2026-02-03.

Conditions:
Emery-Dreifuss muscular dystrophy 4, autosomal dominant (EDMD4). Also called: EMERY-DREIFUSS MUSCULAR DYSTROPHY 4 WITH VARIABLE FEATURES. Identifiers: Orphanet 261, MedGen C2751807, MONDO:0013071, OMIM 612998.
Autosomal recessive ataxia, Beauce type. Also called: SYNE1 Deficiency; Spinocerebellar ataxia, autosomal recessive 8; ATAXIA, RECESSIVE, OF BEAUCE; SYNE1-Related Autosomal Recessive Cerebellar Ataxia. Identifiers: Orphanet 88644, MedGen C1853116, MONDO:0012549, OMIM 610743.

Allele frequency attached by ClinVar (database versions not stated): 1000 Genomes Project 30x 0.01202; 1000 Genomes Project 0.01238; TOPMed 0.01924; gnomAD 0.02177 and 0.02182; ESP Exome Variant Server 0.02384; gnomAD exomes 0.02531 and 0.03165; ExAC 0.02717.
gnomAD v4.1: 49,346 of 1,614,180 alleles (3.1%); highest among the groups gnomAD compares: Non-Finnish European, 3.5%; 913 homozygotes.

Submissions (10):

Labcorp Genetics (formerly Invitae), Labcorp
Classification: Benign for Emery-Dreifuss muscular dystrophy 4, autosomal dominant; Autosomal recessive ataxia, Beauce type. Last evaluated: 2026-02-03. Review status: criteria provided, single submitter. Criteria: Invitae Variant Classification Sherloc (09022015). Collection method: clinical testing. Allele origin: germline.

Blueprint Genetics
Classification: Likely benign. Last evaluated: 2024-11-27. Review status: criteria provided, single submitter. Criteria: ACMG Guidelines, 2015. Collection method: clinical testing. Allele origin: germline.

Athena Diagnostics
Classification: Benign. Last evaluated: 2019-05-07. Review status: criteria provided, single submitter. Criteria: Athena Diagnostics Criteria. Collection method: clinical testing. Allele origin: germline.

Mayo Clinic Laboratories, Mayo Clinic
Classification: Benign. Last evaluated: 2018-01-15. Review status: criteria provided, single submitter. Criteria: ACMG Guidelines, 2015. Collection method: clinical testing. Allele origin: germline. Observed: 58 variant alleles.

Illumina Laboratory Services, Illumina
Classification: Benign for Autosomal recessive ataxia, Beauce type. Last evaluated: 2018-01-13. Review status: criteria provided, single submitter. Criteria: ICSL Variant Classification Criteria 13 December 2019. Collection method: clinical testing. Allele origin: germline.
Comment: This variant was observed in the ICSL laboratory as part of a predisposition screen in an ostensibly healthy population. It had not been previously curated by ICSL or reported in the Human Gene Mutation Database (HGMD: prior to June 1st, 2018), and was therefore a candidate for classification through an automated scoring system. Utilizing variant allele frequency, disease prevalence and penetrance estimates, and inheritance mode, an automated score was calculated to assess if this variant is too frequent to cause the disease. Based on the score and internal cut-off values, a variant classified as benign is not then subjected to further curation. The score for this variant resulted in a classification of benign for this disease.

Illumina Laboratory Services, Illumina
Classification: Benign for Emery-Dreifuss muscular dystrophy 4, autosomal dominant. Last evaluated: 2018-01-13. Review status: criteria provided, single submitter. Criteria: ICSL Variant Classification Criteria 13 December 2019. Collection method: clinical testing. Allele origin: germline.
Comment: the same text as in the submission from Illumina Laboratory Services, Illumina above.

GeneDx
Classification: Benign. Last evaluated: 2016-03-11. Review status: criteria provided, single submitter. Criteria: GeneDx Variant Classification (06012015). Collection method: clinical testing. Allele origin: germline. Affected: yes.
Comment: This variant is considered likely benign or benign based on one or more of the following criteria: it is a conservative change, it occurs at a poorly conserved position in the protein, it is predicted to be benign by multiple in silico algorithms, and/or has population frequency not consistent with disease.

Clinical Genetics DNA and cytogenetics Diagnostics Lab, Erasmus MC, Erasmus Medical Center
Classification: Benign. Review status: no assertion criteria provided. Collection method: clinical testing. Allele origin: germline. Affected: yes. Study: VKGL Data-share Consensus. Not counted in ClinVar's aggregate classification.

Genetic Services Laboratory, University of Chicago
Classification: Likely benign for AllHighlyPenetrant. Review status: no assertion criteria provided. Collection method: clinical testing. Allele origin: germline. Inheritance: Autosomal dominant inheritance. Not counted in ClinVar's aggregate classification.
Comment: Likely benign based on allele frequency in 1000 Genomes Project or ESP global frequency and its presence in a patient with a rare or unrelated disease phenotype. NOT Sanger confirmed.

Genome Diagnostics Laboratory, University Medical Center Utrecht
Classification: Benign. Review status: no assertion criteria provided. Collection method: clinical testing. Allele origin: germline. Affected: yes. Study: VKGL Data-share Consensus. Not counted in ClinVar's aggregate classification.